The following is an entry in ClinVar:

NM_001371389.2(FBXO41):c.270G>A (p.Gln90=)

Gene: FBXO41 (F-box protein 41; minus strand). Cytogenetic location: 2p13.2.
Variant type: single nucleotide variant.
Coding change: c.270G>A on transcript NM_001371389.2 (MANE Select); coding-DNA position 270, G replaced by A.
Protein change: p.Gln90=; no amino-acid change (glutamine 90 retained).
Molecular consequence: synonymous variant.
Genome position (GRCh38, 1-based): chr2:73,269,361, C>T on the plus strand (G>A on the coding strand, the complement: FBXO41 is on the minus strand). VCF-style: chr2-73269361-C-T. GRCh37 (hg19) VCF-style: chr2-73496489-C-T.
Other names: c.270G>A, p.Gln90= (NM_001080410.4).
Identifiers: ClinVar variation 4873409 (VCV004873409.2).
Genomic context (GRCh38, chr2:73,269,361, plus strand): 5'-ATGGTGGTGGTGCAGCAGGTGCGGCGCCGCGGGCGACGGCCCGGCCGCCTGCTCCTTGCC[C>T]TGGAAGGAAGTGCTCTCGAAGACCTCTCGCCGGGCGCCGGGCACGGCCAGCAGGGCGGCG-3'
Protein context (NP_001358318.1, residues 80-100): RREVFESTSF[Gln90=]GKEQAAGPSP

ClinVar aggregate classification (germline): Likely benign (1 of 4 stars; one submission).

gnomAD v4.1: 2 of 1,510,736 alleles (0.00013%); highest among the groups gnomAD compares: Non-Finnish European, 0.00018%; no homozygotes.

Submission:

CeGaT Center for Human Genetics Tuebingen
Classification: Likely benign. Last evaluated: 2026-06-01. Review status: criteria provided, single submitter. Criteria: CeGaT Center For Human Genetics Tuebingen Variant Classification Criteria Version 2. Collection method: clinical testing. Allele origin: germline. Affected: yes. Observed: 1 variant allele.
Comment: FBXO41: BP4, BP7